The following is an entry in ClinVar:

ClinVar aggregate classification (germline): Uncertain significance (1 of 4 stars; one submission).

Conditions:
Cardiovascular phenotype. Identifiers: MedGen CN230736.

Submission:

Ambry Genetics
Classification: Uncertain significance for Cardiovascular phenotype. Last evaluated: 2025-09-17. Review status: criteria provided, single submitter. Criteria: Ambry Variant Classification Scheme 2023. Collection method: clinical testing. Allele origin: germline.
Comment: The p.V158L variant (also known as c.472G>C), located in coding exon 4 of the VCL gene, results from a G to C substitution at nucleotide position 472. The valine at codon 158 is replaced by leucine, an amino acid with highly similar properties. This amino acid position is conserved. In addition, this alteration is predicted to be tolerated by in silico analysis. Based on the available evidence, the clinical significance of this variant remains unclear.

NM_014000.3(VCL):c.472G>C (p.Val158Leu)

Gene: VCL (vinculin; plus strand). Cytogenetic location: 10q22.2.
Variant type: single nucleotide variant.
Coding change: c.472G>C on transcript NM_014000.3 (MANE Select); coding-DNA position 472, G replaced by C.
Protein change: p.Val158Leu; replaces valine 158 with leucine.
Molecular consequence: missense variant.
Genome position (GRCh38, 1-based): chr10:74,071,056, G>C. VCF-style: chr10-74071056-G-C. GRCh37 (hg19) VCF-style: chr10-75830814-G-C.
Other names: c.472G>C, p.Val158Leu (NM_003373.4); short protein forms V158L.
Identifiers: ClinVar variation 4615405 (VCV004615405.1).